The following is an entry in ClinVar:

NM_000388.4(CASR):c.1309T>A (p.Cys437Ser)

Gene: CASR (calcium sensing receptor; plus strand). Cytogenetic location: 3q21.1.
Variant type: single nucleotide variant.
Coding change: c.1309T>A on transcript NM_000388.4 (MANE Select); coding-DNA position 1309, T replaced by A.
Protein change: p.Cys437Ser; replaces cysteine 437 with serine.
Molecular consequence: missense variant.
Genome position (GRCh38, 1-based): chr3:122,262,344, T>A. VCF-style: chr3-122262344-T-A. GRCh37 (hg19) VCF-style: chr3-121981191-T-A.
Other names: c.1309T>A, p.Cys437Ser (NM_001178065.2); short protein forms C437S.
Identifiers: ClinVar variation 840683 (VCV000840683.10), dbSNP rs1559959958, ClinGen allele CA354153048.

ClinVar aggregate classification (germline): Uncertain significance (1 of 4 stars; one submission).

Conditions:
Autosomal dominant hypocalcemia 1 (HYPOC1). Also called: HYPOCALCEMIA, FAMILIAL. Identifiers: MedGen C3715128, MONDO:0011013, OMIM 601198.
Familial hypocalciuric hypercalcemia (FHH). Also called: Familial benign hypercalcemia. Identifiers: Orphanet 405, MedGen C1809471, MONDO:0018458.

Submission:

Labcorp Genetics (formerly Invitae), Labcorp
Classification: Uncertain significance for Familial hypocalciuric hypercalcemia; Autosomal dominant hypocalcemia 1. Last evaluated: 2019-12-11. Review status: criteria provided, single submitter. Criteria: Invitae Variant Classification Sherloc (09022015). Collection method: clinical testing. Allele origin: germline.
Comment: This sequence change replaces cysteine with serine at codon 437 of the CASR protein (p.Cys437Ser). The cysteine residue is highly conserved and there is a moderate physicochemical difference between cysteine and serine. This variant is not present in population databases (ExAC no frequency). This variant has not been reported in the literature in individuals with CASR-related conditions. Algorithms developed to predict the effect of missense changes on protein structure and function (SIFT, PolyPhen-2, Align-GVGD) all suggest that this variant is likely to be disruptive, but these predictions have not been confirmed by published functional studies and their clinical significance is uncertain. In summary, the available evidence is currently insufficient to determine the role of this variant in disease. Therefore, it has been classified as a Variant of Uncertain Significance.